The following is an entry in ClinVar:

ClinVar aggregate classification (germline): Likely pathogenic (1 of 4 stars; one submission).

Conditions:
Mucopolysaccharidosis type 6 (MPS6). Also called: MPS VI; ARSB DEFICIENCY; ARYLSULFATASE B DEFICIENCY; MPS 6; Maroteaux Lamy syndrome; N-ACETYLGALACTOSAMINE-4-SULFATASE DEFICIENCY. Identifiers: Orphanet 583, MedGen C0026709, MONDO:0009661, OMIM 253200.

Allele frequency attached by ClinVar (database versions not stated): gnomAD exomes 0.00001; ExAC 0.00002.
gnomAD v4.1: 8 of 1,614,078 alleles (0.0005%); highest among the groups gnomAD compares: Admixed American, 0.005%; no homozygotes.

Submission:

Labcorp Genetics (formerly Invitae), Labcorp
Classification: Likely pathogenic for Mucopolysaccharidosis type 6. Last evaluated: 2024-09-08. Review status: criteria provided, single submitter. Criteria: Invitae Variant Classification Sherloc (09022015). Collection method: clinical testing. Allele origin: germline.
Comment: This sequence change replaces tyrosine, which is neutral and polar, with histidine, which is basic and polar, at codon 210 of the ARSB protein (p.Tyr210His). This variant is present in population databases (rs769313336, gnomAD 0.009%). This variant has not been reported in the literature in individuals affected with ARSB-related conditions. ClinVar contains an entry for this variant (Variation ID: 1469785). Invitae Evidence Modeling of protein sequence and biophysical properties (such as structural, functional, and spatial information, amino acid conservation, physicochemical variation, residue mobility, and thermodynamic stability) has been performed for this missense variant. However, the output from this modeling did not meet the statistical confidence thresholds required to predict the impact of this variant on ARSB protein function. This variant disrupts the p.Tyr210 amino acid residue in ARSB. Other variant(s) that disrupt this residue have been determined to be pathogenic (PMID: 8651289, 17458871, 21514195, 23557332, 24221504). This suggests that this residue is clinically significant, and that variants that disrupt this residue are likely to be disease-causing. In summary, the currently available evidence indicates that the variant is pathogenic, but additional data are needed to prove that conclusively. Therefore, this variant has been classified as Likely Pathogenic.

Literature cited by the submitters: PubMed 8651289; PubMed 17458871; PubMed 21514195; PubMed 23557332; PubMed 24221504.

NM_000046.5(ARSB):c.628T>C (p.Tyr210His)

Gene: ARSB (arylsulfatase B; minus strand). Cytogenetic location: 5q14.1.
Variant type: single nucleotide variant.
Coding change: c.628T>C on transcript NM_000046.5 (MANE Select); coding-DNA position 628, T replaced by C.
Protein change: p.Tyr210His; replaces tyrosine 210 with histidine.
Molecular consequence: missense variant.
Genome position (GRCh38, 1-based): chr5:78,964,478, A>G on the plus strand (T>C on the coding strand, the complement: ARSB is on the minus strand). VCF-style: chr5-78964478-A-G. GRCh37 (hg19) VCF-style: chr5-78260301-A-G.
Other names: c.628T>C, p.Tyr210His (NM_198709.3); short protein forms Y210H.
Identifiers: ClinVar variation 1469785 (VCV001469785.8), dbSNP rs769313336, ClinGen allele CA3318219.